The following is an entry in ClinVar:

ClinVar aggregate classification (germline): Uncertain significance. Review status: criteria provided, multiple submitters, no conflicts (2 of 4 stars). 2 submissions from 2 submitters: Uncertain significance (2). Last evaluated 2024-02-27.

Conditions:
Intellectual disability, autosomal recessive 53 (NEDHSCA). Also called: Mental retardation, autosomal recessive 53; NEURODEVELOPMENTAL DISORDER WITH OR WITHOUT HYPOTONIA, SEIZURES, AND CEREBELLAR ATROPHY; GLYCOSYLPHOSPHATIDYLINOSITOL BIOSYNTHESIS DEFECT 13. Identifiers: Orphanet 488635, MedGen C4310794, MONDO:0014832, OMIM 616917.
Inborn genetic diseases. Identifiers: MedGen C0950123, MeSH D030342.

Allele frequency attached by ClinVar (database versions not stated): gnomAD exomes below 0.00001 and 0.00001; ExAC 0.00001; gnomAD 0.00007; TOPMed 0.00011; 1000 Genomes Project 30x 0.00016; 1000 Genomes Project 0.00020.
gnomAD v4.1: 21 of 1,608,218 alleles (0.0013%); highest among the groups gnomAD compares: African/African-American, 0.027%; no homozygotes.

Submissions (2):

Ambry Genetics
Classification: Uncertain significance for Inborn genetic diseases. Last evaluated: 2024-02-27. Review status: criteria provided, single submitter. Criteria: Ambry Variant Classification Scheme 2023. Collection method: clinical testing. Allele origin: germline.

Labcorp Genetics (formerly Invitae), Labcorp
Classification: Uncertain significance for Intellectual disability, autosomal recessive 53. Last evaluated: 2024-01-02. Review status: criteria provided, single submitter. Criteria: Invitae Variant Classification Sherloc (09022015). Collection method: clinical testing. Allele origin: germline.
Comment: This sequence change replaces proline, which is neutral and non-polar, with alanine, which is neutral and non-polar, at codon 29 of the PIGG protein (p.Pro29Ala). This variant is present in population databases (rs201934688, gnomAD 0.02%). This variant has not been reported in the literature in individuals affected with PIGG-related conditions. ClinVar contains an entry for this variant (Variation ID: 945713). Advanced modeling of protein sequence and biophysical properties (such as structural, functional, and spatial information, amino acid conservation, physicochemical variation, residue mobility, and thermodynamic stability) performed at Invitae indicates that this missense variant is expected to disrupt PIGG protein function with a positive predictive value of 80%. In summary, the available evidence is currently insufficient to determine the role of this variant in disease. Therefore, it has been classified as a Variant of Uncertain Significance.

NM_001127178.3(PIGG):c.85C>G (p.Pro29Ala)

Gene: PIGG (phosphatidylinositol glycan anchor biosynthesis class G (EMM blood group); plus strand). Cytogenetic location: 4p16.3.
Variant type: single nucleotide variant.
Coding change: c.85C>G on transcript NM_001127178.3 (MANE Select); coding-DNA position 85, C replaced by G.
Protein change: p.Pro29Ala; replaces proline 29 with alanine.
Molecular consequence: missense variant. On other transcripts: 5 prime UTR variant (9), non-coding transcript variant (10), intron variant (1).
Genome position (GRCh38, 1-based): chr4:499,420, C>G. VCF-style: chr4-499420-C-G. GRCh37 (hg19) VCF-style: chr4-493209-C-G.
Other names: c.85C>G, p.Pro29Ala (NM_001289052.2, NM_001345989.2, NM_017733.5); c.-741C>G (NM_001289053.2); c.-352C>G (NM_001289055.2); c.-419C>G (NM_001289057.2, NM_001345986.2, NM_001345987.2); c.-1039C>G (NM_001345988.2); c.-1541C>G (NM_001345990.2); c.-1639C>G (NM_001345991.2); c.-1364C>G (NM_001345994.2); and 2 more; short protein forms P29A.
Identifiers: ClinVar variation 945713 (VCV000945713.9), dbSNP rs201934688, ClinGen allele CA2792883.